The following is an entry in ClinVar:

ClinVar aggregate classification (germline): Conflicting classifications of pathogenicity. Review status: criteria provided, conflicting classifications (1 of 4 stars). 3 submissions from 3 submitters: Uncertain significance (2); Likely benign (1). Last evaluated 2025-06-24.

Conditions:
Hereditary cancer-predisposing syndrome. Also called: Hereditary Cancer Syndrome; Tumor predisposition; Neoplastic Syndromes, Hereditary; Hereditary neoplastic syndrome. Identifiers: Orphanet 140162, MedGen C0027672, MeSH D009386, MONDO:0015356.

Submissions (3):

Color Diagnostics, LLC DBA Color Health
Classification: Uncertain significance for Hereditary cancer-predisposing syndrome. Last evaluated: 2025-06-24. Review status: criteria provided, single submitter. Criteria: ACMG Guidelines, 2015. Collection method: clinical testing. Allele origin: germline.
Comment: This missense variant replaces serine with alanine at codon 1063 of the BRCA1 protein. Computational prediction is inconclusive regarding the impact of this variant on protein structure and function. To our knowledge, functional studies have not been reported for this variant. This variant has not been reported in individuals affected with BRCA1-related disorders in the literature. This variant has not been identified in the general population by the Genome Aggregation Database (gnomAD). The available evidence is insufficient to determine the role of this variant in disease conclusively. Therefore, this variant is classified as a Variant of Uncertain Significance.

University of Washington Department of Laboratory Medicine, University of Washington
Classification: Likely benign for Hereditary cancer-predisposing syndrome. Last evaluated: 2023-03-23. Review status: criteria provided, single submitter. Criteria: Dines et al. (Genet Med. 2020). Collection method: curation. Allele origin: germline.
Comment: Missense variant in a coldspot region where missense variants are very unlikely to be pathogenic (PMID:31911673).

BRCA1 coldspot (exon 11 using historical exon numbering). Reclassification based on statistical prior probability

Quest Diagnostics Nichols Institute San Juan Capistrano
Classification: Uncertain significance. Last evaluated: 2021-03-25. Review status: criteria provided, single submitter. Criteria: Quest Diagnostics criteria. Collection method: clinical testing. Allele origin: unknown.

NM_007294.4(BRCA1):c.3187T>G (p.Ser1063Ala)

Gene: BRCA1 (BRCA1 DNA repair associated; minus strand). Cytogenetic location: 17q21.31.
Variant type: single nucleotide variant.
Coding change: c.3187T>G on transcript NM_007294.4 (MANE Select); coding-DNA position 3187, T replaced by G.
Protein change: p.Ser1063Ala; replaces serine 1063 with alanine.
Molecular consequence: missense variant. On other transcripts: intron variant (137).
Genome position (GRCh38, 1-based): chr17:43,092,344, A>C on the plus strand (T>G on the coding strand, the complement: BRCA1 is on the minus strand). VCF-style: chr17-43092344-A-C. GRCh37 (hg19) VCF-style: chr17-41244361-A-C.
Other names: c.2974T>G, p.Ser992Ala (NM_001407571.1, NM_001407853.1, NM_001407894.1 and 9 more transcripts); c.3187T>G, p.Ser1063Ala (NM_001407581.1, NM_001407582.1, NM_001407583.1 and 30 more transcripts); c.3184T>G, p.Ser1062Ala (NM_001407587.1, NM_001407590.1, NM_001407591.1 and 22 more transcripts); c.3178T>G, p.Ser1060Ala (NM_001407646.1, NM_001407647.1); c.3064T>G, p.Ser1022Ala (NM_001407648.1, NM_001407664.1, NM_001407665.1 and 19 more transcripts); c.3061T>G, p.Ser1021Ala (NM_001407649.1, NM_001407670.1, NM_001407671.1 and 11 more transcripts); c.3109T>G, p.Ser1037Ala (NM_001407653.1, NM_001407654.1, NM_001407655.1 and 4 more transcripts); c.3106T>G, p.Ser1036Ala (NM_001407659.1, NM_001407660.1, NM_001407661.1 and 1 more transcripts); and 41 more; short protein forms S1016A, S1063A, S1015A, S1021A, S895A, S935A, S975A, S996A.
Identifiers: ClinVar variation 1330094 (VCV001330094.5), dbSNP rs2154337925, ClinGen allele CA10595612.
Genomic context (GRCh38, chr17:43,092,344, plus strand): 5'-TAGCATTCAATTTTGGCCCTCTGTTTCTACCTAGTTCTGCTTGAATGTTTTCATCACTGG[A>C]ACCTATTTCATTAATACTGGAGCCCACTTCATTAGTACTGGAACCTACTTCATTAATATT-3'
Protein context (NP_009225.1, residues 1053-1073): EVGSSINEIG[Ser1063Ala]SDENIQAELG